The following is an entry in ClinVar:

NM_004859.4(CLTC):c.3478_3482del (p.Met1159_Ala1160insTer)

Gene: CLTC (clathrin heavy chain; plus strand). Cytogenetic location: 17q23.1.
Variant type: Deletion.
Coding change: c.3478_3482del on transcript NM_004859.4 (MANE Select); coding-DNA positions 3478 to 3482, 5 bases deleted (GCCCG; older notation c.3478_3482delGCCCG).
Protein change: p.Met1159_Ala1160insTer.
Molecular consequence: nonsense.
Genome position (GRCh38, 1-based): chr17:59,682,306-59,682,310, GCCCG deleted; deleting any 5 consecutive bases within chr17:59,682,305-59,682,310 gives the same sequence; the c. name uses the placement nearest the transcript's 3' end. VCF-style (leftmost placement, unchanged base first): chr17-59682304-TGGCCC-T. GRCh37 (hg19) VCF-style: chr17-57759665-TGGCCC-T.
Other names: c.3490_3494del, p.Met1163_Ala1164insTer (NM_001288653.2).
Identifiers: ClinVar variation 4082287 (VCV004082287.1).
Genomic context (GRCh38, chr17:59,682,304, plus strand): 5'-ATATATTTTTTCTTTTTCTATACTTAGGAAACTGGGAAGAACTGGTGAAGTACTTGCAGA[TGGCCC>T]GTAAGAAGGCTCGAGAGTCCTATGTGGAGACAGAACTGATATTCGCACTGGCTAAAACAA-3'

ClinVar aggregate classification (germline): Pathogenic (1 of 4 stars; one submission).

Conditions:
Intellectual developmental disorder, autosomal dominant 56. Also called: MENTAL RETARDATION, AUTOSOMAL DOMINANT 56; Intellectual disability, autosomal dominant 56. Identifiers: MedGen C4693389, MONDO:0030922, OMIM 617854.

Submission:

Medical Genetics Center, Maternal and Child Health Hospital of Hubei Province
Classification: Pathogenic for Intellectual developmental disorder, autosomal dominant 56. Last evaluated: 2024-05-24. Review status: criteria provided, single submitter. Criteria: ACMG Guidelines, 2015. Collection method: clinical testing. Allele origin: de novo. Affected: yes.
Comment: PVS1 + PS2_Supporting + PM2_Supporting